The following is an entry in ClinVar:

ClinVar aggregate classification (germline): Benign. Review status: criteria provided, multiple submitters, no conflicts (2 of 4 stars). 2 submissions from 2 submitters: Benign (2). Last evaluated 2018-06-14.

Allele frequency attached by ClinVar (database versions not stated): ESP Exome Variant Server 0.03529; gnomAD 0.03819 and 0.04050; TOPMed 0.03986; gnomAD exomes 0.04580 and 0.05066; ExAC 0.05717; 1000 Genomes Project 30x 0.06012; 1000 Genomes Project 0.06090.
gnomAD v4.1: 69,040 of 1,520,138 alleles (4.5%); highest among the groups gnomAD compares: East Asian, 11%; 1,856 homozygotes.

Submissions (2):

GeneDx
Classification: Benign. Last evaluated: 2018-06-14. Review status: criteria provided, single submitter. Criteria: GeneDx Variant Classification (06012015). Collection method: clinical testing. Allele origin: germline. Affected: yes.
Comment: This variant is considered likely benign or benign based on one or more of the following criteria: it is a conservative change, it occurs at a poorly conserved position in the protein, it is predicted to be benign by multiple in silico algorithms, and/or has population frequency not consistent with disease.

Breakthrough Genomics
Classification: Benign. Review status: criteria provided, single submitter. Criteria: ACMG Guidelines, 2015. Collection method: not provided. Allele origin: germline. Inheritance: Autosomal dominant inheritance. Affected: yes.

NM_000093.5(COL5A1):c.3259-22C>T

Gene: COL5A1 (collagen type V alpha 1 chain; plus strand). Cytogenetic location: 9q34.3.
Variant type: single nucleotide variant.
Coding change: c.3259-22C>T on transcript NM_000093.5 (MANE Select); 22 bases into the intron before coding-DNA position 3259, C replaced by T.
Molecular consequence: intron variant.
Genome position (GRCh38, 1-based): chr9:134,806,167, C>T. VCF-style: chr9-134806167-C-T. GRCh37 (hg19) VCF-style: chr9-137698013-C-T.
Other names: c.3259-22C>T (NM_001278074.1).
Identifiers: ClinVar variation 673384 (VCV000673384.2), dbSNP rs78743504, ClinGen allele CA5319825.